The following is an entry in ClinVar:

ClinVar aggregate classification (germline): Benign/Likely benign. Review status: criteria provided, multiple submitters, no conflicts (2 of 4 stars). 5 submissions from 5 submitters: Benign (3); Likely benign (2). Last evaluated 2025-07-23.

Conditions:
Telangiectasia, hereditary hemorrhagic, type 2 (HHT2). Also called: ACVRL1-Related Hereditary Hemorrhagic Telangiectasia; Telangiectasia, hereditary hemorrhagic, type II. Identifiers: Orphanet 774, MedGen C1838163, MONDO:0010880, OMIM 600376. Disease mechanism: loss of function.

Allele frequency attached by ClinVar (database versions not stated): gnomAD exomes 0.25101 and 0.26394; ExAC 0.28429; gnomAD 0.31316 and 0.31560; TOPMed 0.32229; ESP Exome Variant Server 0.32493; 1000 Genomes Project 0.34345; 1000 Genomes Project 30x 0.34588.

Submissions (5):

ARUP Laboratories, Molecular Genetics and Genomics, ARUP Laboratories
Classification: Benign for Telangiectasia, hereditary hemorrhagic, type 2. Last evaluated: 2025-07-23. Review status: criteria provided, single submitter. Criteria: ARUP Molecular Germline Variant Investigation Process 2024. Collection method: clinical testing. Allele origin: germline.

Genome-Nilou Lab
Classification: Benign for Telangiectasia, hereditary hemorrhagic, type 2. Last evaluated: 2021-12-05. Review status: criteria provided, single submitter. Criteria: ACMG Guidelines, 2015. Collection method: clinical testing. Allele origin: germline. Affected: no.

GeneDx
Classification: Benign. Last evaluated: 2018-06-16. Review status: criteria provided, single submitter. Criteria: GeneDx Variant Classification (06012015). Collection method: clinical testing. Allele origin: germline. Affected: yes.
Comment: This variant is considered likely benign or benign based on one or more of the following criteria: it is a conservative change, it occurs at a poorly conserved position in the protein, it is predicted to be benign by multiple in silico algorithms, and/or has population frequency not consistent with disease.

Breakthrough Genomics
Classification: Likely benign. Review status: criteria provided, single submitter. Criteria: ACMG Guidelines, 2015. Collection method: not provided. Allele origin: germline. Inheritance: Autosomal dominant inheritance. Affected: yes.

PreventionGenetics, part of Exact Sciences
Classification: Likely benign. Review status: criteria provided, single submitter. Criteria: ACMG Guidelines, 2015. Collection method: clinical testing. Allele origin: germline.

NM_000020.3(ACVRL1):c.1377+45T>C

Gene: ACVRL1 (activin A receptor like type 1; plus strand). Cytogenetic location: 12q13.13.
Variant type: single nucleotide variant.
Coding change: c.1377+45T>C on transcript NM_000020.3 (MANE Select); 45 bases into the intron after coding-DNA position 1377, T replaced by C.
Molecular consequence: intron variant.
Genome position (GRCh38, 1-based): chr12:51,919,160, T>C. VCF-style: chr12-51919160-T-C. GRCh37 (hg19) VCF-style: chr12-52312944-T-C.
Other names: c.1377+45T>C (NM_001077401.2).
Identifiers: ClinVar variation 254709 (VCV000254709.21), dbSNP rs706815, ClinGen allele CA6573139.